The following is an entry in ClinVar:

NM_000412.5(HRG):c.610C>T (p.Pro204Ser)

Gene: HRG (histidine rich glycoprotein; plus strand). Cytogenetic location: 3q27.3.
Variant type: single nucleotide variant.
Coding change: c.610C>T on transcript NM_000412.5 (MANE Select); coding-DNA position 610, C replaced by T.
Protein change: p.Pro204Ser; replaces proline 204 with serine.
Molecular consequence: missense variant.
Genome position (GRCh38, 1-based): chr3:186,672,838, C>T. VCF-style: chr3-186672838-C-T. GRCh37 (hg19) VCF-style: chr3-186390627-C-T.
Other names: p.Pro204Ser; short protein forms P204S.
Identifiers: ClinVar variation 1285353 (VCV001285353.6), dbSNP rs9898, ClinGen allele CA2745722.

ClinVar aggregate classification (germline): Benign. Review status: criteria provided, multiple submitters, no conflicts (2 of 4 stars). 4 submissions from 4 submitters: Benign (3). 1 of the submissions does not count toward it. Last evaluated 2023-07-27.

Conditions:
HRG-related disorder. Also called: HRG-related condition.
Hereditary thrombophilia due to congenital histidine-rich (poly-L) glycoprotein deficiency. Also called: Thrombophilia due to HRG deficiency; THROMBOPHILIA DUE TO HISTIDINE-RICH GLYCOPROTEIN DEFICIENCY. Identifiers: Orphanet 217467, MedGen C2751090, MONDO:0013143, OMIM 613116.

Allele frequency attached by ClinVar (database versions not stated): gnomAD exomes 0.35107 and 0.38189; ExAC 0.38536; ESP Exome Variant Server 0.42750; gnomAD 0.42622 and 0.42606; TOPMed 0.44012; 1000 Genomes Project 0.49141; 1000 Genomes Project 30x 0.49282.
gnomAD v4.1: 577,607 of 1,606,904 alleles (36%); highest among the groups gnomAD compares: African/African-American, 60%; 109,148 homozygotes.

Submissions (4):

Mayo Clinic Laboratories, Mayo Clinic
Classification: Benign. Last evaluated: 2023-07-27. Review status: criteria provided, single submitter. Criteria: ACMG Guidelines, 2015. Collection method: clinical testing. Allele origin: germline. Observed: 55 variant alleles.
Comment: BA1, BP4

Genome-Nilou Lab
Classification: Benign for Hereditary thrombophilia due to congenital histidine-rich (poly-L) glycoprotein deficiency. Last evaluated: 2021-08-10. Review status: criteria provided, single submitter. Criteria: ACMG Guidelines, 2015. Collection method: clinical testing. Allele origin: germline. Affected: no.

Breakthrough Genomics
Classification: Benign. Review status: criteria provided, single submitter. Criteria: ACMG Guidelines, 2015. Collection method: not provided. Allele origin: germline. Inheritance: Autosomal dominant inheritance. Affected: yes.

PreventionGenetics, part of Exact Sciences
Classification: Benign for HRG-related condition. Last evaluated: 2019-09-24. Review status: no assertion criteria provided. Collection method: clinical testing. Allele origin: germline. Not counted in ClinVar's aggregate classification.
Comment: This variant is classified as benign based on ACMG/AMP sequence variant interpretation guidelines (Richards et al. 2015 PMID: 25741868, with internal and published modifications).